The following is an entry in ClinVar:

NM_014714.4(IFT140):c.1653-2A>G

Gene: IFT140 (intraflagellar transport 140; minus strand). Cytogenetic location: 16p13.3.
Variant type: single nucleotide variant.
Coding change: c.1653-2A>G on transcript NM_014714.4 (MANE Select); the canonical splice acceptor site of the intron before coding-DNA position 1653, A replaced by G.
Molecular consequence: splice acceptor variant.
Genome position (GRCh38, 1-based): chr16:1,568,336, T>C on the plus strand (A>G on the coding strand, the complement: IFT140 is on the minus strand). VCF-style: chr16-1568336-T-C. GRCh37 (hg19) VCF-style: chr16-1618337-T-C.
Identifiers: ClinVar variation 3721937 (VCV003721937.2).

ClinVar aggregate classification (germline): Likely pathogenic (1 of 4 stars; one submission).

Conditions:
Saldino-Mainzer syndrome (SRTD9). Also called: CONORENAL SYNDROME; Renal dysplasia, retinal pigmentary dystrophy, cerebellar ataxia and skeletal dysplasia; SHORT-RIB THORACIC DYSPLASIA 9 WITHOUT POLYDACTYLY; short-rib thoracic dysplasia 9 with or without polydactyly. Identifiers: Orphanet 140969, MedGen C1849437, MONDO:0009964, OMIM 266920.

Submission:

Labcorp Genetics (formerly Invitae), Labcorp
Classification: Likely pathogenic for Saldino-Mainzer syndrome. Last evaluated: 2025-04-16. Review status: criteria provided, single submitter. Criteria: Invitae Variant Classification Sherloc (09022015). Collection method: clinical testing. Allele origin: germline.
Comment: This sequence change affects an acceptor splice site in intron 14 of the IFT140 gene. It is expected to disrupt RNA splicing. Variants that disrupt the donor or acceptor splice site typically lead to a loss of protein function (PMID: 16199547), and loss-of-function variants in IFT140 are known to be pathogenic (PMID: 22503633, 23418020, 24009529, 26216056). This variant is not present in population databases (gnomAD no frequency). This variant has not been reported in the literature in individuals affected with IFT140-related conditions. ClinVar contains an entry for this variant (Variation ID: 3721937). Algorithms developed to predict the effect of sequence changes on RNA splicing suggest that this variant may disrupt the consensus splice site. In summary, the currently available evidence indicates that the variant is pathogenic, but additional data are needed to prove that conclusively. Therefore, this variant has been classified as Likely Pathogenic.

Literature cited by the submitters: PubMed 16199547; PubMed 22503633; PubMed 23418020; PubMed 24009529; PubMed 26216056.